The following is an entry in ClinVar:

ClinVar aggregate classification (germline): Likely pathogenic (1 of 4 stars; one submission).

Conditions:
Cystic fibrosis (CF). Also called: MUCOVISCIDOSIS. Identifiers: Orphanet 586, MedGen C0010674, MONDO:0009061, OMIM 219700. Disease mechanism: loss of function.

Submission:

Johns Hopkins Genomics, Johns Hopkins University
Classification: Likely pathogenic for Cystic fibrosis. Last evaluated: 2022-09-06. Review status: criteria provided, single submitter. Criteria: ACMG Guidelines, 2015. Collection method: clinical testing. Allele origin: germline.
Comment: Evidence of an inversion involving CFTR exon 10 (legacy exon 9) was identified. Three intronic nucleotides are deleted at one of the breakpoints of this inversion. We consider this CFTR variant to be likely pathogenic.

NM_000492.4(CFTR):c.[1209+1988_1392+2067inv;1392+2072_1392+2074del]

Variant type: Haplotype.
Identifiers: ClinVar variation 1704387 (VCV001704387.1).